The following is an entry in ClinVar:

ClinVar aggregate classification (germline): Uncertain significance (1 of 4 stars; one submission).

Conditions:
Kabuki syndrome. Also called: NIIKAWA-KUROKI SYNDROME; Kabuki make-up syndrome. Identifiers: Orphanet 2322, MedGen C0796004, MONDO:0016512.

Submission:

Labcorp Genetics (formerly Invitae), Labcorp
Classification: Uncertain significance for Kabuki syndrome. Last evaluated: 2023-10-03. Review status: criteria provided, single submitter. Criteria: Invitae Variant Classification Sherloc (09022015). Collection method: clinical testing. Allele origin: germline.
Comment: This variant, c.11862_11879del, results in the deletion of 6 amino acid(s) of the KMT2D protein (p.Leu3955_Gln3960del), but otherwise preserves the integrity of the reading frame. The frequency data for this variant in the population databases is considered unreliable, as metrics indicate poor data quality at this position in the gnomAD database. This variant has not been reported in the literature in individuals affected with KMT2D-related conditions. Experimental studies and prediction algorithms are not available or were not evaluated, and the functional significance of this variant is currently unknown. In summary, the available evidence is currently insufficient to determine the role of this variant in disease. Therefore, it has been classified as a Variant of Uncertain Significance.

NM_003482.4(KMT2D):c.11862_11879del (p.Leu3955_Gln3960del)

Gene: KMT2D (lysine methyltransferase 2D; minus strand). Cytogenetic location: 12q13.12.
Variant type: Deletion.
Coding change: c.11862_11879del on transcript NM_003482.4 (MANE Select); coding-DNA positions 11862 to 11879, 18 bases deleted (GCTACAACAGCAACAGCA).
Protein change: p.Leu3955_Gln3960del.
Molecular consequence: inframe deletion.
Genome position (GRCh38, 1-based): chr12:49,032,826-49,032,843, TGCTGTTGCTGTTGTAGC deleted on the plus strand (GCTACAACAGCAACAGCA on the coding strand, the reverse complement: KMT2D is on the minus strand); deleting any 18 consecutive bases within chr12:49,032,826-49,032,854 gives the same sequence; the c. name uses the placement nearest the transcript's 3' end. VCF-style (leftmost placement, unchanged base first): chr12-49032825-TTGCTGTTGCTGTTGTAGC-T. GRCh37 (hg19) VCF-style: chr12-49426608-TTGCTGTTGCTGTTGTAGC-T.
Identifiers: ClinVar variation 2976166 (VCV002976166.3), dbSNP rs769825116, ClinGen allele CA6546282.